The following is an entry in ClinVar:

ClinVar aggregate classification (germline): Uncertain significance. Review status: criteria provided, multiple submitters, no conflicts (2 of 4 stars). 2 submissions from 2 submitters: Uncertain significance (2). Last evaluated 2021-12-03.

Conditions:
Wilson disease (WND). Also called: Wilson's disease. Identifiers: Orphanet 905, MedGen C0019202, MONDO:0010200, OMIM 277900. Disease mechanism: loss of function.

gnomAD v4.1: 14 of 1,613,788 alleles (0.00087%); highest among the groups gnomAD compares: East Asian, 0.029%; no homozygotes.

Submissions (2):

Labcorp Genetics (formerly Invitae), Labcorp
Classification: Uncertain significance for Wilson disease. Last evaluated: 2021-12-03. Review status: criteria provided, single submitter. Criteria: Invitae Variant Classification Sherloc (09022015). Collection method: clinical testing. Allele origin: germline.
Comment: This sequence change replaces methionine, which is neutral and non-polar, with leucine, which is neutral and non-polar, at codon 645 of the ATP7B protein (p.Met645Leu). This variant is present in population databases (rs749412315, gnomAD 0.04%). This variant has not been reported in the literature in individuals affected with ATP7B-related conditions. Advanced modeling of protein sequence and biophysical properties (such as structural, functional, and spatial information, amino acid conservation, physicochemical variation, residue mobility, and thermodynamic stability) performed at Invitae indicates that this missense variant is not expected to disrupt ATP7B protein function. This variant disrupts the p.Met645 amino acid residue in ATP7B. Other variant(s) that disrupt this residue have been determined to be pathogenic (PMID: 9311736, 9482578, 9671269, 11093740, 15952988, 19118915, 21832955). This suggests that this residue is clinically significant, and that variants that disrupt this residue are likely to be disease-causing. In summary, the available evidence is currently insufficient to determine the role of this variant in disease. Therefore, it has been classified as a Variant of Uncertain Significance.

Blueprint Genetics
Classification: Uncertain significance. Last evaluated: 2020-11-16. Review status: criteria provided, single submitter. Criteria: ACMG Guidelines, 2015. Collection method: clinical testing. Allele origin: germline.

Literature cited by the submitters: PubMed 9311736 (cited by Labcorp Genetics (formerly Invitae), Labcorp); PubMed 9482578 (cited by Labcorp Genetics (formerly Invitae), Labcorp); PubMed 9671269 (cited by Labcorp Genetics (formerly Invitae), Labcorp); PubMed 11093740 (cited by Labcorp Genetics (formerly Invitae), Labcorp); PubMed 15952988 (cited by Labcorp Genetics (formerly Invitae), Labcorp); PubMed 19118915 (cited by Labcorp Genetics (formerly Invitae), Labcorp); PubMed 21832955 (cited by Labcorp Genetics (formerly Invitae), Labcorp).

NM_000053.4(ATP7B):c.1933A>T (p.Met645Leu)

Gene: ATP7B (ATPase copper transporting beta; minus strand). Cytogenetic location: 13q14.3.
Variant type: single nucleotide variant.
Coding change: c.1933A>T on transcript NM_000053.4 (MANE Select); coding-DNA position 1933, A replaced by T.
Protein change: p.Met645Leu; replaces methionine 645 with leucine.
Molecular consequence: missense variant. On other transcripts: intron variant (2).
Genome position (GRCh38, 1-based): chr13:51,961,850, T>A on the plus strand (A>T on the coding strand, the complement: ATP7B is on the minus strand). VCF-style: chr13-51961850-T-A. GRCh37 (hg19) VCF-style: chr13-52535986-T-A.
Other names: c.1600A>T, p.Met534Leu (NM_001243182.2); c.1933A>T, p.Met645Leu (NM_001330578.2); c.1869+3022A>T (NM_001005918.3, NM_001330579.2); short protein forms M645L, M534L.
Identifiers: ClinVar variation 1418631 (VCV001418631.6), dbSNP rs749412315, ClinGen allele CA6989170.
Genomic context (GRCh38, chr13:51,961,850, plus strand): 5'-AAGGGACTTAGATGAGAGCTGGAGTTTATCTTTTGTGTTCTACCTACTGCTTTATTTCCA[T>A]CTTGTGGTCCAAGTGATGAGCGTTGGGGTTTCTCTGGGCCAGGGAAGCATGAAAGCCAAT-3'
Protein context (NP_000044.2, residues 635-655): NPNAHHLDHK[Met645Leu]EIKQWKKSFL